The following is an entry in ClinVar:

ClinVar aggregate classification (germline): Uncertain significance (1 of 4 stars; one submission).

Conditions:
Leber congenital amaurosis 4 (LCA4). Identifiers: MedGen C1858386, MONDO:0011458, OMIM 604393.

Submission:

Labcorp Genetics (formerly Invitae), Labcorp
Classification: Uncertain significance for Leber congenital amaurosis 4. Last evaluated: 2024-02-24. Review status: criteria provided, single submitter. Criteria: Invitae Variant Classification Sherloc (09022015). Collection method: clinical testing. Allele origin: germline.
Comment: This sequence change replaces glutamic acid, which is acidic and polar, with aspartic acid, which is acidic and polar, at codon 173 of the AIPL1 protein (p.Glu173Asp). This variant is not present in population databases (gnomAD no frequency). This variant has not been reported in the literature in individuals affected with AIPL1-related conditions. ClinVar contains an entry for this variant (Variation ID: 2202472). Advanced modeling of protein sequence and biophysical properties (such as structural, functional, and spatial information, amino acid conservation, physicochemical variation, residue mobility, and thermodynamic stability) performed at Invitae indicates that this missense variant is not expected to disrupt AIPL1 protein function with a negative predictive value of 80%. In summary, the available evidence is currently insufficient to determine the role of this variant in disease. Therefore, it has been classified as a Variant of Uncertain Significance.

NM_014336.5(AIPL1):c.519G>C (p.Glu173Asp)

Gene: AIPL1 (AIP like 1 HSP90 co-chaperone; minus strand). Cytogenetic location: 17p13.2.
Variant type: single nucleotide variant.
Coding change: c.519G>C on transcript NM_014336.5 (MANE Select); coding-DNA position 519, G replaced by C.
Protein change: p.Glu173Asp; replaces glutamic acid 173 with aspartic acid.
Molecular consequence: missense variant.
Genome position (GRCh38, 1-based): chr17:6,427,004, C>G on the plus strand (G>C on the coding strand, the complement: AIPL1 is on the minus strand). VCF-style: chr17-6427004-C-G. GRCh37 (hg19) VCF-style: chr17-6330324-C-G.
Other names: c.330G>C, p.Glu110Asp (NM_001033054.3); c.339G>C, p.Glu113Asp (NM_001033055.3); c.483G>C, p.Glu161Asp (NM_001285399.3); c.453G>C, p.Glu151Asp (NM_001285400.3); c.519G>C, p.Glu173Asp (NM_001285401.3); c.402G>C, p.Glu134Asp (NM_001285402.2); c.495G>C, p.Glu165Asp (NM_001285403.4); short protein forms E151D, E161D, E173D, E134D, E165D, E110D, E113D.
Identifiers: ClinVar variation 2202472 (VCV002202472.4), dbSNP rs2543886428, ClinGen allele CA397395587.